The following is an entry in ClinVar:

NM_001110556.2(FLNA):c.3547G>A (p.Val1183Met)

Gene: FLNA (filamin A; minus strand). Cytogenetic location: Xq28.
Variant type: single nucleotide variant.
Coding change: c.3547G>A on transcript NM_001110556.2 (MANE Select); coding-DNA position 3547, G replaced by A.
Protein change: p.Val1183Met; replaces valine 1183 with methionine.
Molecular consequence: missense variant.
Genome position (GRCh38, 1-based): chrX:154,360,248, C>T on the plus strand (G>A on the coding strand, the complement: FLNA is on the minus strand). VCF-style: chrX-154360248-C-T. GRCh37 (hg19) VCF-style: chrX-153588616-C-T.
Other names: c.3547G>A, p.Val1183Met (NM_001456.4); short protein forms V1183M.
Identifiers: ClinVar variation 5007533 (VCV005007533.2).

ClinVar aggregate classification (germline): Uncertain significance (1 of 4 stars; one submission).

Conditions:
Frontometaphyseal dysplasia 1 (FMD1). Also called: Frontometaphyseal Dysplasia (FLNA-FMD). Identifiers: Orphanet 1826, MedGen C4281559, MONDO:0024550, OMIM 305620.
Oto-palato-digital syndrome, type I (OPD1). Also called: OPD I SYNDROME; OPD SYNDROME 1; Otopalatodigital Syndrome, Type I; Otopalatodigital Syndrome Type 1 (FLNA-OPD1); Taybi syndrome. Identifiers: Orphanet 669, Orphanet 90650, MedGen C0265251, MONDO:0010704, OMIM 311300.
Oto-palato-digital syndrome, type II (OPD2). Also called: OPD II SYNDROME; Otopalatodigital Syndrome, Type II; Otopalatodigital Syndrome Type 2 (FLNA-OPD2); FACIOPALATOOSSEOUS SYNDROME. Identifiers: Orphanet 669, Orphanet 90652, MedGen C1844696, MONDO:0010571, OMIM 304120.
Melnick-Needles syndrome (MNS). Also called: MELNICK-NEEDLES OSTEODYSPLASTY; OSTEODYSPLASTY OF MELNICK AND NEEDLES; Melnick-Needles Syndrome (FLNA-MNS). Identifiers: Orphanet 2484, MedGen C0025237, MONDO:0010650, OMIM 309350.
FG syndrome 2 (FGS2). Identifiers: MedGen C1845902, MONDO:0010297, OMIM 300321.
Cardiac valvular dysplasia, X-linked (CVDPX). Also called: FLNA-Related X-linked Cardiac Valvular Dysplasia; MYXOMATOUS VALVULAR DYSTROPHY, X-LINKED; Isolated X-Linked Cardiac Valvular Dysplasia; VALVULAR HEART DISEASE, CONGENITAL; Congenital valvular dysplasia. Identifiers: Orphanet 1864, Orphanet 555877, Orphanet 75497, MedGen C0262436, MONDO:0010753, OMIM 314400.
Terminal osseous dysplasia-pigmentary defects syndrome. Also called: ODPD; ODPF SYNDROME; OSSEOUS DYSPLASIA, DIGITAL, WITH FACIAL PIGMENTARY DEFECTS AND MULTIPLE FRENULA; TERMINAL OSSEOUS DYSPLASIA AND PIGMENTARY DEFECTS; Terminal Osseous Dysplasia (FLNA-TOD). Identifiers: Orphanet 88630, MedGen C1846129, MONDO:0010279, OMIM 300244.
Intestinal pseudoobstruction, neuronal, chronic idiopathic, X-linked (CIIPX). Also called: INTESTINAL PSEUDOOBSTRUCTION, NEURONAL, CHRONIC IDIOPATHIC, WITH CENTRAL NERVOUS SYSTEM INVOLVEMENT; FLNA-Related Periventricular Nodular Heterotopia (FLNA-Related PVNH; Huttenlocher Syndrome); CONGENITAL IDIOPATHIC INTESTINAL PSEUDOOBSTRUCTION. Identifiers: Orphanet 2301, MedGen C2746068, MONDO:0010232, OMIM 300048.
Heterotopia, periventricular, X-linked dominant (PVNH1). Also called: PERIVENTRICULAR NODULAR HETEROTOPIA 1; PERIVENTRICULAR NODULAR HETEROTOPIA 4; HETEROTOPIA, PERIVENTRICULAR, 1; X-linked periventricular heterotopia. Identifiers: Orphanet 2149, Orphanet 82004, MedGen C1848213, MONDO:0010233, OMIM 300049.

Submission:

Juno Genomics, Hangzhou Juno Genomics, Inc
Classification: Uncertain significance for Heterotopia, periventricular, X-linked dominant; Terminal osseous dysplasia-pigmentary defects syndrome; FG syndrome 2; Cardiac valvular dysplasia, X-linked; Intestinal pseudoobstruction, neuronal, chronic idiopathic, X-linked; Frontometaphyseal dysplasia 1; Melnick-Needles syndrome; Oto-palato-digital syndrome, type I; Oto-palato-digital syndrome, type II. Review status: criteria provided, single submitter. Criteria: ACMG Guidelines, 2015. Collection method: clinical testing. Allele origin: germline.
Comment: Absent from controls (or at extremely low frequency if recessive) in Genome Aggregation Database.;Multiple lines of computational evidence support a deleterious effect on the gene or gene product.